The following is an entry in ClinVar:

ClinVar aggregate classification (germline): Likely benign. Review status: criteria provided, multiple submitters, no conflicts (2 of 4 stars). 2 submissions from 2 submitters: Likely benign (2). Last evaluated 2025-06-18.

Conditions:
Chédiak-Higashi syndrome (CHS). Also called: Chediak-Higashi Syndrome. Identifiers: Orphanet 167, MedGen C0007965, MONDO:0008963, OMIM 214500.

Allele frequency attached by ClinVar (database versions not stated): ExAC 0.00001; gnomAD exomes 0.00001.
gnomAD v4.1: 14 of 1,613,386 alleles (0.00087%); highest among the groups gnomAD compares: Non-Finnish European, 0.0012%; no homozygotes.

Submissions (2):

Labcorp Genetics (formerly Invitae), Labcorp
Classification: Likely benign for Chédiak-Higashi syndrome. Last evaluated: 2025-06-18. Review status: criteria provided, single submitter. Criteria: Invitae Variant Classification Sherloc (09022015). Collection method: clinical testing. Allele origin: germline.

CeGaT Center for Human Genetics Tuebingen
Classification: Likely benign. Last evaluated: 2024-04-01. Review status: criteria provided, single submitter. Criteria: CeGaT Center For Human Genetics Tuebingen Variant Classification Criteria Version 2. Collection method: clinical testing. Allele origin: germline. Affected: yes. Observed: 1 variant allele.
Comment: LYST: BP4, BP7

NM_000081.4(LYST):c.3597T>C (p.Asp1199=)

Gene: LYST (lysosomal trafficking regulator; minus strand). Cytogenetic location: 1q42.3.
Variant type: single nucleotide variant.
Coding change: c.3597T>C on transcript NM_000081.4 (MANE Select); coding-DNA position 3597, T replaced by C.
Protein change: p.Asp1199=; no amino-acid change (aspartic acid 1199 retained).
Molecular consequence: synonymous variant.
Genome position (GRCh38, 1-based): chr1:235,803,023, A>G on the plus strand (T>C on the coding strand, the complement: LYST is on the minus strand). VCF-style: chr1-235803023-A-G. GRCh37 (hg19) VCF-style: chr1-235966323-A-G.
Other names: c.3597T>C, p.Asp1199= (NM_001301365.1).
Identifiers: ClinVar variation 3234647 (VCV003234647.21), dbSNP rs749681115, ClinGen allele CA1467033.